The following is an entry in ClinVar:

NM_004370.6(COL12A1):c.5466C>T (p.Thr1822=)

Gene: COL12A1 (collagen type XII alpha 1 chain; minus strand). Cytogenetic location: 6q13.
Variant type: single nucleotide variant.
Coding change: c.5466C>T on transcript NM_004370.6 (MANE Select); coding-DNA position 5466, C replaced by T.
Protein change: p.Thr1822=; no amino-acid change (threonine 1822 retained).
Molecular consequence: synonymous variant.
Genome position (GRCh38, 1-based): chr6:75,134,784, G>A on the plus strand (C>T on the coding strand, the complement: COL12A1 is on the minus strand). VCF-style: chr6-75134784-G-A. GRCh37 (hg19) VCF-style: chr6-75844500-G-A.
Other names: p.Thr1822=; c.5466C>T (NM_004370.5); c.1974C>T, p.Thr658= (NM_080645.3).
Identifiers: ClinVar variation 1102324 (VCV001102324.13), dbSNP rs373978519, ClinGen allele CA3893125.

ClinVar aggregate classification (germline): Likely benign. Review status: criteria provided, multiple submitters, no conflicts (2 of 4 stars). 4 submissions from 4 submitters: Likely benign (3). 1 of the submissions does not count toward it. Last evaluated 2026-05-08.

Conditions:
Ullrich congenital muscular dystrophy 2 (UCMD2). Identifiers: Orphanet 75840, MedGen C4225314, MONDO:0014654, OMIM 616470.
Bethlem myopathy 2 (BTHLM2). Identifiers: Orphanet 536516, Orphanet 610, MedGen C4225313, MONDO:0034022, OMIM 616471.
COL12A1-related disorder. Also called: COL12A1-related condition.

Allele frequency attached by ClinVar (database versions not stated): TOPMed 0.00008; gnomAD 0.00009; ESP Exome Variant Server 0.00016; ExAC 0.00007; gnomAD exomes 0.00007.
gnomAD v4.1: 85 of 1,613,086 alleles (0.0053%); highest among the groups gnomAD compares: African/African-American, 0.015%; 1 homozygote.

Submissions (4):

Women's Health and Genetics/Laboratory Corporation of America, LabCorp
Classification: Likely benign. Last evaluated: 2026-05-08. Review status: criteria provided, single submitter. Criteria: LabCorp Variant Classification Summary - May 2015. Collection method: clinical testing. Allele origin: germline.

Labcorp Genetics (formerly Invitae), Labcorp
Classification: Likely benign for Bethlem myopathy 2; Ullrich congenital muscular dystrophy 2. Last evaluated: 2025-09-21. Review status: criteria provided, single submitter. Criteria: Invitae Variant Classification Sherloc (09022015). Collection method: clinical testing. Allele origin: germline.

Mayo Clinic Laboratories, Mayo Clinic
Classification: Likely benign. Last evaluated: 2024-12-17. Review status: criteria provided, single submitter. Criteria: ACMG Guidelines, 2015. Collection method: clinical testing. Allele origin: germline. Observed: 4 variant alleles.
Comment: BP4, BP7

PreventionGenetics, part of Exact Sciences
Classification: Likely benign for COL12A1-related condition. Last evaluated: 2019-07-23. Review status: no assertion criteria provided. Collection method: clinical testing. Allele origin: germline. Not counted in ClinVar's aggregate classification.
Comment: This variant is classified as likely benign based on ACMG/AMP sequence variant interpretation guidelines (Richards et al. 2015 PMID: 25741868, with internal and published modifications).